The following is an entry in ClinVar:

NM_005045.4(RELN):c.9230C>T (p.Pro3077Leu)

Genes: RELN (reelin; minus strand), SLC26A5-AS1 (SLC26A5 antisense RNA 1; plus strand). Cytogenetic location: 7q22.1.
Variant type: single nucleotide variant.
Coding change: c.9230C>T on transcript NM_005045.4 (MANE Select); coding-DNA position 9230, C replaced by T.
Protein change: p.Pro3077Leu; replaces proline 3077 with leucine.
Molecular consequence: missense variant.
Genome position (GRCh38, 1-based): chr7:103,495,862, G>A on the plus strand (C>T on the coding strand, the complement: RELN is on the minus strand). VCF-style: chr7-103495862-G-A. GRCh37 (hg19) VCF-style: chr7-103136309-G-A.
Other names: c.9230C>T, p.Pro3077Leu (NM_173054.3); short protein forms P3077L.
Identifiers: ClinVar variation 1316008 (VCV001316008.5), dbSNP rs2117018752, ClinGen allele CA368749328.

ClinVar aggregate classification (germline): Uncertain significance. Review status: criteria provided, multiple submitters, no conflicts (2 of 4 stars). 2 submissions from 2 submitters: Uncertain significance (2). Last evaluated 2023-10-16.

Conditions:
Norman-Roberts syndrome (LIS2). Also called: Lissencephaly 2 (Norman-Roberts type). Identifiers: Orphanet 89844, MedGen C0796089, MONDO:0009760, OMIM 257320.
Familial temporal lobe epilepsy 7. Identifiers: Orphanet 101046, MedGen C4225327, MONDO:0014639, OMIM 616436.

Allele frequency attached by ClinVar (database versions not stated): gnomAD exomes below 0.00001.
gnomAD v4.1: 1 of 1,613,670 alleles (0.000062%); highest among the groups gnomAD compares: Non-Finnish European, 0.000085%; no homozygotes.

Submissions (2):

Labcorp Genetics (formerly Invitae), Labcorp
Classification: Uncertain significance for Familial temporal lobe epilepsy 7; Norman-Roberts syndrome. Last evaluated: 2023-10-16. Review status: criteria provided, single submitter. Criteria: Invitae Variant Classification Sherloc (09022015). Collection method: clinical testing. Allele origin: germline.
Comment: This sequence change replaces proline, which is neutral and non-polar, with leucine, which is neutral and non-polar, at codon 3077 of the RELN protein (p.Pro3077Leu). This variant is not present in population databases (gnomAD no frequency). This variant has not been reported in the literature in individuals affected with RELN-related conditions. ClinVar contains an entry for this variant (Variation ID: 1316008). Advanced modeling of protein sequence and biophysical properties (such as structural, functional, and spatial information, amino acid conservation, physicochemical variation, residue mobility, and thermodynamic stability) performed at Invitae indicates that this missense variant is not expected to disrupt RELN protein function. In summary, the available evidence is currently insufficient to determine the role of this variant in disease. Therefore, it has been classified as a Variant of Uncertain Significance.

GeneDx
Classification: Uncertain significance. Last evaluated: 2019-12-13. Review status: criteria provided, single submitter. Criteria: GeneDx Variant Classification Process June 2021. Collection method: clinical testing. Allele origin: germline. Affected: yes.
Comment: Not observed in large population cohorts (Lek et al., 2016); In silico analysis, which includes protein predictors and evolutionary conservation, supports a deleterious effect; Has not been previously published as pathogenic or benign to our knowledge